The following is an entry in ClinVar:

ClinVar aggregate classification (germline): Conflicting classifications of pathogenicity. Review status: criteria provided, conflicting classifications (1 of 4 stars). 3 submissions from 3 submitters: Uncertain significance (2); Likely benign (1). Last evaluated 2025-10-23.

Conditions:
Hereditary cancer-predisposing syndrome. Also called: Hereditary Cancer Syndrome; Neoplastic Syndromes, Hereditary; Hereditary neoplastic syndrome; Tumor predisposition. Identifiers: Orphanet 140162, MedGen C0027672, MeSH D009386, MONDO:0015356.
Ataxia-telangiectasia syndrome (AT). Also called: Cerebello-oculocutaneous telangiectasia; Immunodeficiency with ataxia telangiectasia; Ataxia-telangiectasia, complementation group E; Ataxia-telangiectasia, complementation group D; AT, COMPLEMENTATION GROUP C; ATAXIA-TELANGIECTASIA, COMPLEMENTATION GROUP A. Identifiers: Orphanet 100, MedGen C0004135, MONDO:0008840, OMIM 208900.

gnomAD v4.1: 2 of 1,614,112 alleles (0.00012%); highest among the groups gnomAD compares: Non-Finnish European, 0.00017%; no homozygotes.

Submissions (3):

Labcorp Genetics (formerly Invitae), Labcorp
Classification: Uncertain significance for Ataxia-telangiectasia syndrome. Last evaluated: 2025-10-23. Review status: criteria provided, single submitter. Criteria: Invitae Variant Classification Sherloc (09022015). Collection method: clinical testing. Allele origin: germline.
Comment: This sequence change replaces isoleucine, which is neutral and non-polar, with leucine, which is neutral and non-polar, at codon 665 of the ATM protein (p.Ile665Leu). This variant is not present in population databases (gnomAD no frequency). This variant has not been reported in the literature in individuals affected with ATM-related conditions. ClinVar contains an entry for this variant (Variation ID: 820462). Invitae Evidence Modeling of protein sequence and biophysical properties (such as structural, functional, and spatial information, amino acid conservation, physicochemical variation, residue mobility, and thermodynamic stability) indicates that this missense variant is not expected to disrupt ATM protein function with a negative predictive value of 95%. In summary, the available evidence is currently insufficient to determine the role of this variant in disease. Therefore, it has been classified as a Variant of Uncertain Significance.

Women's Health and Genetics/Laboratory Corporation of America, LabCorp
Classification: Uncertain significance. Last evaluated: 2024-04-15. Review status: criteria provided, single submitter. Criteria: LabCorp Variant Classification Summary - May 2015. Collection method: clinical testing. Allele origin: germline.

Ambry Genetics
Classification: Likely benign for Hereditary cancer-predisposing syndrome. Last evaluated: 2024-03-14. Review status: criteria provided, single submitter. Criteria: Ambry Variant Classification Scheme 2023. Collection method: clinical testing. Allele origin: germline.

Literature cited by the submitters: PubMed 28779002 (cited by Ambry Genetics).

NM_000051.4(ATM):c.1993A>C (p.Ile665Leu)

Gene: ATM (ATM serine/threonine kinase; plus strand). Cytogenetic location: 11q22.3.
Variant type: single nucleotide variant.
Coding change: c.1993A>C on transcript NM_000051.4 (MANE Select); coding-DNA position 1993, A replaced by C.
Protein change: p.Ile665Leu; replaces isoleucine 665 with leucine.
Molecular consequence: missense variant.
Genome position (GRCh38, 1-based): chr11:108,253,908, A>C. VCF-style: chr11-108253908-A-C. GRCh37 (hg19) VCF-style: chr11-108124635-A-C.
Other names: c.1993A>C, p.Ile665Leu (NM_001351834.2); short protein forms I665L.
Identifiers: ClinVar variation 820462 (VCV000820462.15), dbSNP rs1060501645, ClinGen allele CA382536973.